The following is an entry in ClinVar:

ClinVar aggregate classification (germline): Pathogenic. Review status: reviewed by expert panel (3 of 4 stars). 2 submissions from 2 submitters: Pathogenic (1). 1 of the submissions does not count toward it. Last evaluated 2017-12-15.

Conditions:
Breast-ovarian cancer, familial, susceptibility to, 2 (BROVCA2). Also called: BRCA2 Hereditary Breast and Ovarian Cancer. Identifiers: Orphanet 145, MedGen C2675520, MONDO:0012933, OMIM 612555. Disease mechanism: loss of function.

Submissions (2):

Evidence-based Network for the Interpretation of Germline Mutant Alleles (ENIGMA)
Classification: Pathogenic for Breast-ovarian cancer, familial, susceptibility to, 2. Last evaluated: 2017-12-15. Review status: reviewed by expert panel. Criteria: ENIGMA BRCA1/2 Classification Criteria (2017-06-29). Collection method: curation. Allele origin: germline. Study: ENIGMA.
Comment: Variant allele predicted to encode a truncated non-functional protein.

GeneKor MSA
Classification: Pathogenic. Last evaluated: 2020-01-01. Review status: criteria provided, single submitter. Criteria: ACMG Guidelines, 2015. Collection method: clinical testing. Allele origin: germline. Not counted in ClinVar's aggregate classification.
Comment: This sequence change deletes two bases from exon 10 of the BRCA2 mRNA (c.1306_1307delAA), causing a frameshift after codon 436 and the creation of a premature translation stop signal [p.Lys436Glufs]. This is expected to result in an absent or disrupted protein product. Truncating variants in the BRCA2 gene are known to be pathogenic. The mutation database Clinvar contains entries for this variant (Variation ID:252440).

NM_000059.4(BRCA2):c.1306_1307del (p.Lys436fs)

Gene: BRCA2 (BRCA2 DNA repair associated; plus strand). Cytogenetic location: 13q13.1.
Variant type: Deletion.
Coding change: c.1306_1307del on transcript NM_000059.4 (MANE Select); coding-DNA positions 1306 to 1307, 2 bases deleted (AA; older notation c.1306_1307delAA).
Protein change: p.Lys436fs; shifts the reading frame from lysine 436.
Molecular consequence: frameshift variant.
Genome position (GRCh38, 1-based): chr13:32,332,784-32,332,785, AA deleted; deleting any 2 consecutive bases within chr13:32,332,783-32,332,785 gives the same sequence; the c. name uses the placement nearest the transcript's 3' end. VCF-style (leftmost placement, unchanged base first): chr13-32332782-GAA-G. GRCh37 (hg19) VCF-style: chr13-32906919-GAA-G.
Other names: c.1306_1307delAA (NM_000059.3); short protein forms K436fs.
Identifiers: ClinVar variation 252440 (VCV000252440.2), dbSNP rs80359278, ClinGen allele CA10585928.